The following is an entry in ClinVar:

ClinVar aggregate classification (germline): Likely benign (1 of 4 stars; one submission).

Conditions:
Hereditary diffuse gastric adenocarcinoma (HDGC). Also called: DIFFUSE GASTRIC AND LOBULAR BREAST CANCER SYNDROME. Identifiers: Orphanet 26106, MedGen C1708349, MONDO:0007648, OMIM 137215.

Submission:

Myriad Genetics, Inc.
Classification: Likely benign for Hereditary diffuse gastric adenocarcinoma. Last evaluated: 2024-09-23. Review status: criteria provided, single submitter. Criteria: Myriad Autosomal Dominant, Autosomal Recessive and X-Linked Classification Criteria (2023). Collection method: clinical testing. Allele origin: unknown.
Comment: This variant is considered likely benign. This variant is intronic and is not expected to impact mRNA splicing.

NM_004360.5(CDH1):c.2295+8T>A

Gene: CDH1 (cadherin 1; plus strand). Cytogenetic location: 16q22.1.
Variant type: single nucleotide variant.
Coding change: c.2295+8T>A on transcript NM_004360.5 (MANE Select); 8 bases into the intron after coding-DNA position 2295, T replaced by A.
Molecular consequence: intron variant.
Genome position (GRCh38, 1-based): chr16:68,828,312, T>A. VCF-style: chr16-68828312-T-A. GRCh37 (hg19) VCF-style: chr16-68862215-T-A.
Other names: c.747+8T>A (NM_001317185.2); c.330+8T>A (NM_001317186.2); c.2112+8T>A (NM_001317184.2).
Identifiers: ClinVar variation 3379169 (VCV003379169.1).
Genomic context (GRCh38, chr16:68,828,312, plus strand): 5'-CCCGGGACAACGTTTATTACTATGATGAAGAAGGAGGCGGAGAAGAGGACCAGGTGGGTT[T>A]TGAAAACCTTGGTAGCTCAGTGGTGATCTCTTTATTCGGAAGAAGCAATGATTAGTAAGA-3'